The following is an entry in ClinVar:

NM_152296.5(ATP1A3):c.1361C>G (p.Ser454Cys)

Gene: ATP1A3 (ATPase Na+/K+ transporting subunit alpha 3; minus strand). Cytogenetic location: 19q13.2.
Variant type: single nucleotide variant.
Coding change: c.1361C>G on transcript NM_152296.5 (MANE Select); coding-DNA position 1361, C replaced by G.
Protein change: p.Ser454Cys; replaces serine 454 with cysteine.
Molecular consequence: missense variant.
Genome position (GRCh38, 1-based): chr19:41,981,578, G>C on the plus strand (C>G on the coding strand, the complement: ATP1A3 is on the minus strand). VCF-style: chr19-41981578-G-C. GRCh37 (hg19) VCF-style: chr19-42485730-G-C.
Other names: c.1394C>G, p.Ser465Cys (NM_001256213.2); c.1400C>G, p.Ser467Cys (NM_001256214.2); short protein forms S454C, S465C, S467C.
Identifiers: ClinVar variation 4802155 (VCV004802155.1).

ClinVar aggregate classification (germline): Uncertain significance (1 of 4 stars; one submission).

Conditions:
Dystonia 12 (DYT12). Also called: DYT-ATP1A3; Rapid-Onset Dystonia-Parkinsonism (RDP). Identifiers: Orphanet 71517, MedGen C1868681, MONDO:0007496, OMIM 128235.

gnomAD v4.1: 2 of 1,614,214 alleles (0.00012%); highest among the groups gnomAD compares: Non-Finnish European, 0.00017%; no homozygotes.

Submission:

Labcorp Genetics (formerly Invitae), Labcorp
Classification: Uncertain significance for Dystonia 12. Last evaluated: 2025-12-13. Review status: criteria provided, single submitter. Criteria: Invitae Variant Classification Sherloc (09022015). Collection method: clinical testing. Allele origin: germline.
Comment: This sequence change replaces serine, which is neutral and polar, with cysteine, which is neutral and slightly polar, at codon 454 of the ATP1A3 protein (p.Ser454Cys). This variant is not present in population databases (gnomAD no frequency). This variant has not been reported in the literature in individuals affected with ATP1A3-related conditions. Invitae Evidence Modeling of protein sequence and biophysical properties (such as structural, functional, and spatial information, amino acid conservation, physicochemical variation, residue mobility, and thermodynamic stability) indicates that this missense variant is not expected to disrupt ATP1A3 protein function with a negative predictive value of 95%. In summary, the available evidence is currently insufficient to determine the role of this variant in disease. Therefore, it has been classified as a Variant of Uncertain Significance.